The following is an entry in ClinVar:

ClinVar aggregate classification (germline): Pathogenic (1 of 4 stars; one submission).

Submission:

GeneDx
Classification: Pathogenic. Last evaluated: 2022-01-31. Review status: criteria provided, single submitter. Criteria: GeneDx Variant Classification Process June 2021. Collection method: clinical testing. Allele origin: germline. Affected: yes.
Comment: In-frame deletion of 6 amino acids in a non-repeat region predicted to critically alter the protein; Not observed in large population cohorts (gnomAD); In silico analysis supports a deleterious effect on protein structure/function; This variant is associated with the following publications: (PMID: 22266148, 22002042)

NM_000094.4(COL7A1):c.6189_6206del (p.Lys2066_Glu2071del)

Gene: COL7A1 (collagen type VII alpha 1 chain; minus strand). Cytogenetic location: 3p21.31.
Variant type: Deletion.
Coding change: c.6189_6206del on transcript NM_000094.4 (MANE Select); coding-DNA positions 6189 to 6206, 18 bases deleted (GGGAGAGAAAGGAGAACG).
Protein change: p.Lys2066_Glu2071del.
Molecular consequence: inframe deletion.
Genome position (GRCh38, 1-based): chr3:48,575,217-48,575,234, CGTTCTCCTTTCTCTCCC deleted on the plus strand (GGGAGAGAAAGGAGAACG on the coding strand, the reverse complement: COL7A1 is on the minus strand); deleting any 18 consecutive bases within chr3:48,575,217-48,575,242 gives the same sequence; the c. name uses the placement nearest the transcript's 3' end. VCF-style (leftmost placement, unchanged base first): chr3-48575216-ACGTTCTCCTTTCTCTCCC-A. GRCh37 (hg19) VCF-style: chr3-48612649-ACGTTCTCCTTTCTCTCCC-A.
Other names: c.6189_6206delGGGAGAGAAAGGAGAACG (NM_000094.3).
Identifiers: ClinVar variation 1202254 (VCV001202254.5), dbSNP rs2107672756, ClinGen allele CA2499216839.